The following is an entry in ClinVar:

ClinVar aggregate classification (germline): Pathogenic. Review status: criteria provided, multiple submitters, no conflicts (2 of 4 stars). 2 submissions from 2 submitters: Pathogenic (2). Last evaluated 2025-08-21.

Conditions:
Hereditary cancer-predisposing syndrome. Also called: Tumor predisposition; Hereditary neoplastic syndrome; Neoplastic Syndromes, Hereditary; Hereditary Cancer Syndrome. Identifiers: Orphanet 140162, MedGen C0027672, MeSH D009386, MONDO:0015356.
Cardiovascular phenotype. Identifiers: MedGen CN230736.

gnomAD v4.1: 3 of 1,614,144 alleles (0.00019%); highest among the groups gnomAD compares: South Asian, 0.0011%; no homozygotes.

Submissions (2):

Ambry Genetics
Classification: Pathogenic for Cardiovascular phenotype; Hereditary cancer-predisposing syndrome. Last evaluated: 2025-08-21. Review status: criteria provided, single submitter. Criteria: Ambry Variant Classification Scheme 2023. Collection method: clinical testing. Allele origin: germline.
Comment: The p.S122* pathogenic mutation (also known as c.365C>A), located in coding exon 4 of the LZTR1 gene, results from a C to A substitution at nucleotide position 365. This changes the amino acid from a serine to a stop codon within coding exon 4. This alteration is expected to result in loss of function by premature protein truncation or nonsense-mediated mRNA decay. Loss-of-function variants in LZTR1 are related to an increased risk for schwannomas and autosomal recessive Noonan syndrome; however, such associations with autosomal dominant Noonan syndrome have not been observed (Piotrowski A et al. Nat Genet. 2014 Feb;46:182-7; Yamamoto GL et al. J Med Genet. 2015 Jun;52:413-21; Johnston JJ et al. Genet Med. 2018 10;20:1175-1185). Based on the supporting evidence, this variant is pathogenic for an increased risk of LZTR1-related schwannomatosis (SWN) and would be expected to cause autosomal recessive Noonan syndrome when present along with a second pathogenic or likely pathogenic variant on the other allele; however, the association of this alteration with autosomal dominant Noonan syndrome is unlikely.

Labcorp Genetics (formerly Invitae), Labcorp
Classification: Pathogenic. Last evaluated: 2024-10-22. Review status: criteria provided, single submitter. Criteria: Invitae Variant Classification Sherloc (09022015). Collection method: clinical testing. Allele origin: germline.
Comment: This sequence change creates a premature translational stop signal (p.Ser122*) in the LZTR1 gene. It is expected to result in an absent or disrupted protein product. Loss-of-function variants in LZTR1 are known to be pathogenic (PMID: 24362817, 25335493, 25480913, 25795793, 29469822, 30368668, 30442762, 30442766, 30481304, 30859559). This variant is not present in population databases (gnomAD no frequency). This variant has not been reported in the literature in individuals affected with LZTR1-related conditions. ClinVar contains an entry for this variant (Variation ID: 1072283). Algorithms developed to predict the effect of sequence changes on RNA splicing suggest that this variant may disrupt the consensus splice site. For these reasons, this variant has been classified as Pathogenic.

Literature cited by the submitters: PubMed 24362817 (cited by Labcorp Genetics (formerly Invitae), Labcorp); PubMed 25335493 (cited by Labcorp Genetics (formerly Invitae), Labcorp); PubMed 25480913 (cited by Labcorp Genetics (formerly Invitae), Labcorp); PubMed 25795793 (cited by Labcorp Genetics (formerly Invitae), Labcorp); PubMed 29469822 (cited by Labcorp Genetics (formerly Invitae), Labcorp); PubMed 30368668 (cited by Labcorp Genetics (formerly Invitae), Labcorp); PubMed 30442762 (cited by Labcorp Genetics (formerly Invitae), Labcorp); PubMed 30442766 (cited by Labcorp Genetics (formerly Invitae), Labcorp); PubMed 30481304 (cited by Labcorp Genetics (formerly Invitae), Labcorp); PubMed 30859559 (cited by Labcorp Genetics (formerly Invitae), Labcorp).

NM_006767.4(LZTR1):c.365C>A (p.Ser122Ter)

Gene: LZTR1 (leucine zipper like post translational regulator 1; plus strand). Cytogenetic location: 22q11.21.
Variant type: single nucleotide variant.
Coding change: c.365C>A on transcript NM_006767.4 (MANE Select); coding-DNA position 365, C replaced by A.
Protein change: p.Ser122Ter; replaces serine 122 with a stop codon.
Molecular consequence: nonsense.
Genome position (GRCh38, 1-based): chr22:20,987,548, C>A. VCF-style: chr22-20987548-C-A. GRCh37 (hg19) VCF-style: chr22-21341837-C-A.
Other names: short protein forms S122*.
Identifiers: ClinVar variation 1072283 (VCV001072283.10), dbSNP rs587777177, ClinGen allele CA410779356.
Genomic context (GRCh38, chr22:20,987,548, plus strand): 5'-CCTGTGCCCACCCCAGGGCCTTTACCACTGGGACCCCACCGGCCCCCCGTTACCACCACT[C>A]GGCCGTCGTCTATGGGAGCAGCATGTTTGTCTTTGGTAAGCAGCCTCTTGCCTCCCAGGG-3'